The following is an entry in ClinVar:

ClinVar aggregate classification (germline): Uncertain significance (1 of 4 stars; one submission).

Conditions:
Emery-Dreifuss muscular dystrophy 5, autosomal dominant (EDMD5). Also called: EMERY-DREIFUSS MUSCULAR DYSTROPHY 5. Identifiers: Orphanet 261, MedGen C2751805, MONDO:0013072, OMIM 612999.

Submission:

Labcorp Genetics (formerly Invitae), Labcorp
Classification: Uncertain significance for Emery-Dreifuss muscular dystrophy 5, autosomal dominant. Last evaluated: 2026-01-12. Review status: criteria provided, single submitter. Criteria: Invitae Variant Classification Sherloc (09022015). Collection method: clinical testing. Allele origin: germline.
Comment: This sequence change replaces glutamine, which is neutral and polar, with leucine, which is neutral and non-polar, at codon 1552 of the SYNE2 protein (p.Gln1552Leu). This variant is not present in population databases (gnomAD no frequency). This variant has not been reported in the literature in individuals affected with SYNE2-related conditions. An algorithm developed to predict the effect of missense changes on protein structure and function (PolyPhen-2) suggests that this variant is likely to be disruptive. In summary, the available evidence is currently insufficient to determine the role of this variant in disease. Therefore, it has been classified as a Variant of Uncertain Significance.

NM_182914.3(SYNE2):c.4655A>T (p.Gln1552Leu)

Gene: SYNE2 (spectrin repeat containing nuclear envelope protein 2; plus strand). Cytogenetic location: 14q23.2.
Variant type: single nucleotide variant.
Coding change: c.4655A>T on transcript NM_182914.3 (MANE Select); coding-DNA position 4655, A replaced by T.
Protein change: p.Gln1552Leu; replaces glutamine 1552 with leucine.
Molecular consequence: missense variant.
Genome position (GRCh38, 1-based): chr14:64,010,043, A>T. VCF-style: chr14-64010043-A-T. GRCh37 (hg19) VCF-style: chr14-64476761-A-T.
Other names: c.4655A>T, p.Gln1552Leu (NM_015180.6); short protein forms Q1552L.
Identifiers: ClinVar variation 4734661 (VCV004734661.1).